The following is an entry in ClinVar:

NM_002458.3(MUC5B):c.151C>T (p.Arg51Trp)

Gene: MUC5B (mucin 5B, oligomeric mucus/gel-forming; plus strand). Cytogenetic location: 11p15.5.
Variant type: single nucleotide variant.
Coding change: c.151C>T on transcript NM_002458.3 (MANE Select); coding-DNA position 151, C replaced by T.
Protein change: p.Arg51Trp; replaces arginine 51 with tryptophan.
Molecular consequence: missense variant.
Genome position (GRCh38, 1-based): chr11:1,226,228, C>T. VCF-style: chr11-1226228-C-T. GRCh37 (hg19) VCF-style: chr11-1247458-C-T.
Other names: short protein forms R51W.
Identifiers: ClinVar variation 163991 (VCV000163991.7), dbSNP rs2075853, ClinGen allele CA176747.

ClinVar aggregate classification (germline): Benign. Review status: criteria provided, multiple submitters, no conflicts (2 of 4 stars). 3 submissions from 3 submitters: Benign (3). Last evaluated 2018-11-12.

Allele frequency attached by ClinVar (database versions not stated): gnomAD exomes 0.11351; gnomAD 0.11988 and 0.12213; 1000 Genomes Project 0.19050; ExAC 0.13792; ESP Exome Variant Server 0.09299; TOPMed 0.12044; 1000 Genomes Project 30x 0.18535.
gnomAD v4.1: 146,656 of 1,554,864 alleles (9.4%); highest among the groups gnomAD compares: East Asian, 38%; 9,376 homozygotes.

Submissions (3):

GeneDx
Classification: Benign. Last evaluated: 2018-11-12. Review status: criteria provided, single submitter. Criteria: GeneDx Variant Classification Process June 2021. Collection method: clinical testing. Allele origin: germline. Affected: yes.

Laboratory for Molecular Medicine, Mass General Brigham Personalized Medicine
Classification: Benign. Last evaluated: 2013-02-21. Review status: criteria provided, single submitter. Criteria: LMM Criteria. Collection method: clinical testing. Allele origin: germline. Observed: 22 variant alleles.
Comment: Arg51Trp in exon 3 of MUC5B: This variant is not expected to have clinical signi ficance because it has been identified in 14.1% (551/3908) of African American c hromosomes from a broad population by the NHLBI Exome Sequencing Project (dbSNP rs2075853).

Breakthrough Genomics
Classification: Benign. Review status: criteria provided, single submitter. Criteria: ACMG Guidelines, 2015. Collection method: not provided. Allele origin: germline. Inheritance: Autosomal dominant inheritance. Affected: yes.